The following is an entry in ClinVar:

NM_030665.4(RAI1):c.3024C>T (p.Pro1008=)

Gene: RAI1 (retinoic acid induced 1; plus strand). Cytogenetic location: 17p11.2.
Variant type: single nucleotide variant.
Coding change: c.3024C>T on transcript NM_030665.4 (MANE Select); coding-DNA position 3024, C replaced by T.
Protein change: p.Pro1008=; no amino-acid change (proline 1008 retained).
Molecular consequence: synonymous variant.
Genome position (GRCh38, 1-based): chr17:17,795,972, C>T. VCF-style: chr17-17795972-C-T. GRCh37 (hg19) VCF-style: chr17-17699286-C-T.
Other names: c.3024C>T (NM_030665.3).
Identifiers: ClinVar variation 1630261 (VCV001630261.24), dbSNP rs780521476, ClinGen allele CA8418659.

ClinVar aggregate classification (germline): Likely benign. Review status: criteria provided, multiple submitters, no conflicts (2 of 4 stars). 3 submissions from 3 submitters: Likely benign (2). 1 of the submissions does not count toward it. Last evaluated 2025-11-05.

Conditions:
RAI1-related disorder. Also called: RAI1-related condition.

Allele frequency attached by ClinVar (database versions not stated): gnomAD 0.00004 and 0.00005; ExAC 0.00007; TOPMed 0.00007.

Submissions (3):

Labcorp Genetics (formerly Invitae), Labcorp
Classification: Likely benign. Last evaluated: 2025-11-05. Review status: criteria provided, single submitter. Criteria: Invitae Variant Classification Sherloc (09022015). Collection method: clinical testing. Allele origin: germline.

CeGaT Center for Human Genetics Tuebingen
Classification: Likely benign. Last evaluated: 2025-09-01. Review status: criteria provided, single submitter. Criteria: CeGaT Center For Human Genetics Tuebingen Variant Classification Criteria Version 2. Collection method: clinical testing. Allele origin: germline. Affected: yes. Observed: 2 variant alleles.
Comment: RAI1: BP4, BP7

PreventionGenetics, part of Exact Sciences
Classification: Likely benign for RAI1-related condition. Last evaluated: 2021-07-21. Review status: no assertion criteria provided. Collection method: clinical testing. Allele origin: germline. Not counted in ClinVar's aggregate classification.
Comment: This variant is classified as likely benign based on ACMG/AMP sequence variant interpretation guidelines (Richards et al. 2015 PMID: 25741868, with internal and published modifications).